The following is an entry in ClinVar:

NM_014264.5(PLK4):c.2741G>C (p.Gly914Ala)

Gene: PLK4 (polo like kinase 4; plus strand). Cytogenetic location: 4q28.1.
Variant type: single nucleotide variant.
Coding change: c.2741G>C on transcript NM_014264.5 (MANE Select); coding-DNA position 2741, G replaced by C.
Protein change: p.Gly914Ala; replaces glycine 914 with alanine.
Molecular consequence: missense variant.
Genome position (GRCh38, 1-based): chr4:127,896,838, G>C. VCF-style: chr4-127896838-G-C. GRCh37 (hg19) VCF-style: chr4-128817993-G-C.
Other names: c.2645G>C, p.Gly882Ala (NM_001190799.2); c.2618G>C, p.Gly873Ala (NM_001190801.2); short protein forms G873A, G882A, G914A.
Identifiers: ClinVar variation 1951618 (VCV001951618.4), dbSNP rs776016742, ClinGen allele CA3077148.
Genomic context (GRCh38, chr4:127,896,838, plus strand): 5'-ACCCATGCTTATTATTTTTCTAGTTAACTAGTGGAGCTGTGTGGGTTCAGTTTAATGATG[G>C]GTCCCAGTTGGTTGTGCAGGCAGGAGTGTCTTCTATCAGTTATACCTCACCAAATGGTCA-3'
Protein context (NP_055079.3, residues 904-924): SGAVWVQFND[Gly914Ala]SQLVVQAGVS

ClinVar aggregate classification (germline): Uncertain significance (1 of 4 stars; one submission).

Allele frequency attached by ClinVar (database versions not stated): ExAC 0.00001.
gnomAD v4.1: 17 of 1,612,222 alleles (0.0011%); highest among the groups gnomAD compares: Admixed American, 0.0067%; no homozygotes.

Submission:

Labcorp Genetics (formerly Invitae), Labcorp
Classification: Uncertain significance. Last evaluated: 2022-06-15. Review status: criteria provided, single submitter. Criteria: Invitae Variant Classification Sherloc (09022015). Collection method: clinical testing. Allele origin: germline.
Comment: In summary, the available evidence is currently insufficient to determine the role of this variant in disease. Therefore, it has been classified as a Variant of Uncertain Significance. Algorithms developed to predict the effect of missense changes on protein structure and function (SIFT, PolyPhen-2, Align-GVGD) all suggest that this variant is likely to be disruptive. This variant has not been reported in the literature in individuals affected with PLK4-related conditions. This variant is present in population databases (rs776016742, gnomAD 0.003%). This sequence change replaces glycine, which is neutral and non-polar, with alanine, which is neutral and non-polar, at codon 914 of the PLK4 protein (p.Gly914Ala).